The following is an entry in ClinVar:

ClinVar aggregate classification (germline): Pathogenic/Likely pathogenic. Review status: criteria provided, multiple submitters, no conflicts (2 of 4 stars). 2 submissions from 2 submitters: Pathogenic (1); Likely pathogenic (1). Last evaluated 2024-10-13.

Conditions:
Griscelli syndrome type 2 (GS2). Also called: GRISCELLI SYNDROME WITH HEMOPHAGOCYTIC SYNDROME; PAID SYNDROME; PARTIAL ALBINISM AND IMMUNODEFICIENCY SYNDROME. Identifiers: Orphanet 381, Orphanet 79477, MedGen C1868679, MONDO:0011872, OMIM 607624.

Submissions (2):

Genomic Medicine Center of Excellence, King Faisal Specialist Hospital and Research Centre
Classification: Likely pathogenic for Griscelli syndrome type 2. Last evaluated: 2024-10-13. Review status: criteria provided, single submitter. Criteria: ACMG Guidelines, 2015. Collection method: clinical testing. Allele origin: germline.
Comment: This sequence change creates a premature translational stop signal (GRCh38; NM_004580.5:c.514C>T:p.Gln172Ter) in the RAB27A protein. This alteration is expected to result in loss of function by premature termination codon resulting in protein truncation, or nonsense-mediated mRNA decay. This alteration is interpreted as disease-causing mutation, a commonly known mechanism for disease. To our knowledge this variant not been previously curated or reported in public Database. Not observed at significant frequency in large population cohorts (gnomAD). In-silico analysis supports that this nonsense variant is pathogenic. This alteration is interpreted as disease-causing mutation, a commonly known mechanism for disease. In summary, this variant meets our criteria to be classified as Likely pathogenic for Griscelli syndrome in an autosomal recessive manner based the evidence outlined.

Labcorp Genetics (formerly Invitae), Labcorp
Classification: Pathogenic for Griscelli syndrome type 2. Last evaluated: 2024-06-17. Review status: criteria provided, single submitter. Criteria: Invitae Variant Classification Sherloc (09022015). Collection method: clinical testing. Allele origin: germline.
Comment: This sequence change creates a premature translational stop signal (p.Gln172*) in the RAB27A gene. While this is not anticipated to result in nonsense mediated decay, it is expected to disrupt the last 50 amino acid(s) of the RAB27A protein. This variant is not present in population databases (gnomAD no frequency). This premature translational stop signal has been observed in individual(s) with Griscelli syndrome (PMID: 26915675). This variant disrupts a region of the RAB27A protein in which other variant(s) (p.Arg184*) have been determined to be pathogenic (PMID: 10835631, 15475639, 18397837, 19030707, 19953648, 25071262, 25500851). This suggests that this is a clinically significant region of the protein, and that variants that disrupt it are likely to be disease-causing. For these reasons, this variant has been classified as Pathogenic.

Literature cited by the submitters: PubMed 26915675 (cited by Labcorp Genetics (formerly Invitae), Labcorp); PubMed 10835631 (cited by Labcorp Genetics (formerly Invitae), Labcorp); PubMed 15475639 (cited by Labcorp Genetics (formerly Invitae), Labcorp); PubMed 18397837 (cited by Labcorp Genetics (formerly Invitae), Labcorp); PubMed 19030707 (cited by Labcorp Genetics (formerly Invitae), Labcorp); PubMed 19953648 (cited by Labcorp Genetics (formerly Invitae), Labcorp); PubMed 25071262 (cited by Labcorp Genetics (formerly Invitae), Labcorp); PubMed 25500851 (cited by Labcorp Genetics (formerly Invitae), Labcorp).

NM_183235.3(RAB27A):c.514C>T (p.Gln172Ter)

Gene: RAB27A (RAB27A, member RAS oncogene family; minus strand). Cytogenetic location: 15q21.3.
Variant type: single nucleotide variant.
Coding change: c.514C>T on transcript NM_183235.3 (MANE Select); coding-DNA position 514, C replaced by T.
Protein change: p.Gln172Ter; replaces glutamine 172 with a stop codon.
Molecular consequence: nonsense.
Genome position (GRCh38, 1-based): chr15:55,205,659, G>A on the plus strand (C>T on the coding strand, the complement: RAB27A is on the minus strand). VCF-style: chr15-55205659-G-A. GRCh37 (hg19) VCF-style: chr15-55497857-G-A.
Other names: c.514C>T, p.Gln172Ter (NM_004580.5, NM_183234.3, NM_183236.3); short protein forms Q172*.
Identifiers: ClinVar variation 3363143 (VCV003363143.3).